The following is an entry in ClinVar:

NM_001363711.2(DUOX2):c.4522C>T (p.Gln1508Ter)

Gene: DUOX2 (dual oxidase 2; minus strand). Cytogenetic location: 15q21.1.
Variant type: single nucleotide variant.
Coding change: c.4522C>T on transcript NM_001363711.2 (MANE Select); coding-DNA position 4522, C replaced by T.
Protein change: p.Gln1508Ter; replaces glutamine 1508 with a stop codon.
Molecular consequence: nonsense.
Genome position (GRCh38, 1-based): chr15:45,094,565, G>A on the plus strand (C>T on the coding strand, the complement: DUOX2 is on the minus strand). VCF-style: chr15-45094565-G-A. GRCh37 (hg19) VCF-style: chr15-45386763-G-A.
Other names: c.4522C>T, p.Gln1508Ter (NM_014080.5); short protein forms Q1508*.
Identifiers: ClinVar variation 1466218 (VCV001466218.8), dbSNP rs2141138964, ClinGen allele CA392249693.

ClinVar aggregate classification (germline): Pathogenic (1 of 4 stars; one submission).

Submission:

Labcorp Genetics (formerly Invitae), Labcorp
Classification: Pathogenic. Last evaluated: 2023-08-10. Review status: criteria provided, single submitter. Criteria: Invitae Variant Classification Sherloc (09022015). Collection method: clinical testing. Allele origin: germline.
Comment: This variant disrupts a region of the DUOX2 protein in which other variant(s) (p.Gly1518Ser) have been determined to be pathogenic (PMID: 20187165, 31030636). This suggests that this is a clinically significant region of the protein, and that variants that disrupt it are likely to be disease-causing. This sequence change creates a premature translational stop signal (p.Gln1508*) in the DUOX2 gene. While this is not anticipated to result in nonsense mediated decay, it is expected to disrupt the last 41 amino acid(s) of the DUOX2 protein. This variant is not present in population databases (gnomAD no frequency). This variant has not been reported in the literature in individuals affected with DUOX2-related conditions. ClinVar contains an entry for this variant (Variation ID: 1466218). For these reasons, this variant has been classified as Pathogenic.

Literature cited by the submitters: PubMed 20187165; PubMed 31030636.